The following is an entry in ClinVar:

NM_003482.4(KMT2D):c.12592C>T (p.Arg4198Ter)

Gene: KMT2D (lysine methyltransferase 2D; minus strand). Cytogenetic location: 12q13.12.
Variant type: single nucleotide variant.
Coding change: c.12592C>T on transcript NM_003482.4 (MANE Select); coding-DNA position 12592, C replaced by T.
Protein change: p.Arg4198Ter; replaces arginine 4198 with a stop codon.
Molecular consequence: nonsense.
Genome position (GRCh38, 1-based): chr12:49,032,113, G>A on the plus strand (C>T on the coding strand, the complement: KMT2D is on the minus strand). VCF-style: chr12-49032113-G-A. GRCh37 (hg19) VCF-style: chr12-49425896-G-A.
Other names: short protein forms R4198*.
Identifiers: ClinVar variation 158722 (VCV000158722.22), dbSNP rs587783685, ClinGen allele CA271579.

ClinVar aggregate classification (germline): Pathogenic. Review status: criteria provided, multiple submitters, no conflicts (2 of 4 stars). 8 submissions from 8 submitters: Pathogenic (7). 1 of the submissions does not count toward it. Last evaluated 2025-08-18.

Conditions:
Inborn genetic diseases. Identifiers: MedGen C0950123, MeSH D030342.
Kabuki syndrome. Also called: Kabuki make-up syndrome; NIIKAWA-KUROKI SYNDROME. Identifiers: Orphanet 2322, MedGen C0796004, MONDO:0016512.
Kabuki syndrome 1 (KABUK1). Also called: KMT2D-Related Kabuki Syndrome. Identifiers: Orphanet 2322, MedGen CN030661, MONDO:0007843, OMIM 147920.

Submissions (8):

GeneDx
Classification: Pathogenic. Last evaluated: 2025-08-18. Review status: criteria provided, single submitter. Criteria: GeneDx Variant Classification Process June 2021. Collection method: clinical testing. Allele origin: germline. Affected: yes.
Comment: Nonsense variant predicted to result in protein truncation or nonsense mediated decay in a gene for which loss of function is a known mechanism of disease; Not observed in large population cohorts (gnomAD); This variant is associated with the following publications: (PMID: 28991257, 22126750, 23320472, 31935506, 27302555, 28884922, 24739679, 32978145, 32368696, 33084842, 37043208, 33057194, 35904121, 31941532, 36891680, 37810849, 35982159)

Variantyx, Inc.
Classification: Pathogenic for Kabuki syndrome 1. Last evaluated: 2025-06-02. Review status: criteria provided, single submitter. Criteria: Variantyx Assertion Criteria 2022. Collection method: clinical testing. Allele origin: de novo. Inheritance: Autosomal dominant inheritance. Affected: yes.
Comment: This is a nonsense variant in the KMT2D gene (OMIM: 602113). Pathogenic variants in this gene have been associated with autosomal dominant Kabuki syndrome 1. The alteration introduces a premature termination codon in exon 40 out of 55 and is expected to result in loss of function, which is a known disease mechanism for KMT2D in this disorder (PMID: 20711175, 21671394, 21607748) (PVS1). It has been reported in at least four affected individuals (PMID: 26300940, 37810849, 28991257, 37043208) (PS4) but it is absent from control populations (PM2). Based on the current evidence, this variant is classified as pathogenic for autosomal dominant Kabuki syndrome 1.

Fulgent Genetics
Classification: Pathogenic for Kabuki syndrome 1. Last evaluated: 2018-10-31. Review status: criteria provided, single submitter. Criteria: ACMG Guidelines, 2015. Collection method: clinical testing. Allele origin: unknown.

Labcorp Genetics (formerly Invitae), Labcorp
Classification: Pathogenic for Kabuki syndrome. Last evaluated: 2018-05-10. Review status: criteria provided, single submitter. Criteria: Invitae Variant Classification Sherloc (09022015). Collection method: clinical testing. Allele origin: germline.
Comment: For these reasons, this variant has been classified as Pathogenic. Loss-of-function variants in KMT2D are known to be pathogenic (PMID: 22126750). This variant has been observed in several individuals affected with Kabuki syndrome (PMID: 28295206, 26300940, 23320472, 27302555). ClinVar contains an entry for this variant (Variation ID: 158722). This variant is not present in population databases (ExAC no frequency). This sequence change creates a premature translational stop signal (p.Arg4198*) in the KMT2D gene. It is expected to result in an absent or disrupted protein product.

Ambry Genetics
Classification: Pathogenic for Inborn genetic diseases. Last evaluated: 2017-06-27. Review status: criteria provided, single submitter. Criteria: Ambry exome assertion method (8-5-2015). Collection method: clinical testing. Allele origin: germline. Affected: yes. Observed: 2 variant alleles.

Center for Human Genetics, Inc
Classification: Pathogenic for Kabuki syndrome 1. Last evaluated: 2016-11-01. Review status: criteria provided, single submitter. Criteria: ACMG Guidelines, 2015. Collection method: clinical testing. Allele origin: germline. Affected: yes.

Genetic Services Laboratory, University of Chicago
Classification: Pathogenic for Kabuki syndrome 1. Last evaluated: 2013-08-22. Review status: criteria provided, single submitter. Criteria: ACMG Guidelines, 2007. Collection method: clinical testing. Allele origin: germline. Inheritance: Autosomal dominant inheritance. Affected: yes.

Autoinflammatory diseases unit, CHU de Montpellier
Classification: Pathogenic for Kabuki syndrome 1. Last evaluated: 2014-06-05. Review status: no assertion criteria provided. Collection method: clinical testing. Allele origin: de novo. Affected: yes. Not counted in ClinVar's aggregate classification.

Literature cited by the submitters: PubMed 20711175 (cited by Variantyx, Inc.); PubMed 21671394 (cited by Variantyx, Inc.); PubMed 21607748 (cited by Variantyx, Inc.); PubMed 37810849 (cited by Variantyx, Inc.); PubMed 28991257 (cited by Variantyx, Inc.); PubMed 37043208 (cited by Variantyx, Inc.); PubMed 26300940 (cited by Variantyx, Inc. and Labcorp Genetics (formerly Invitae), Labcorp); PubMed 22126750 (cited by Labcorp Genetics (formerly Invitae), Labcorp and Ambry Genetics); PubMed 28295206 (cited by Labcorp Genetics (formerly Invitae), Labcorp); PubMed 23320472 (cited by Labcorp Genetics (formerly Invitae), Labcorp and Ambry Genetics); PubMed 27302555 (cited by Labcorp Genetics (formerly Invitae), Labcorp and Ambry Genetics); PubMed 24739679 (cited by Ambry Genetics).